The following is an entry in ClinVar:

Conditions:
Breast-ovarian cancer, familial, susceptibility to, 1 (BROVCA1). Also called: BRCA1 Hereditary Breast and Ovarian Cancer; OVARIAN CANCER, SUSCEPTIBILITY TO. Identifiers: Orphanet 145, MedGen C2676676, MONDO:0011450, OMIM 604370. Disease mechanism: loss of function.

Submission:

Brotman Baty Institute, University of Washington
No classification provided (evidence only). Condition: Breast-ovarian cancer, familial 1. Review status: no classification provided. Collection method: in vitro. Allele origin: not applicable. Functional consequence: functionally_normal.
ClinVar note: "not provided" was previously submitted as the classification for the variant. However, the classification appeared to be based only on an observation of functional data so it was converted to no classification on 2025-07-30.

NM_007294.4(BRCA1):c.5278-7C>T

Gene: BRCA1 (BRCA1 DNA repair associated; minus strand). Cytogenetic location: 17q21.31.
Variant type: single nucleotide variant.
Coding change: c.5278-7C>T on transcript NM_007294.4 (MANE Select); 7 bases into the intron before coding-DNA position 5278, C replaced by T.
Molecular consequence: intron variant.
Genome position (GRCh38, 1-based): chr17:43,051,124, G>A on the plus strand (C>T on the coding strand, the complement: BRCA1 is on the minus strand). VCF-style: chr17-43051124-G-A. GRCh37 (hg19) VCF-style: chr17-41203141-G-A.
Other names: c.1825-7C>T (NM_001408458.1, NM_001408461.1, NM_001408464.1 and 7 more transcripts); c.4387-7C>T (NM_001407967.1); c.4897-7C>T (NM_001407959.1); c.5011-7C>T (NM_001407931.1, NM_001407932.1, NM_001407928.1 and 4 more transcripts); c.5134-7C>T (NM_001407747.1, NM_001407745.1, NM_001407737.1 and 21 more transcripts); c.4894-7C>T (NM_001407962.1, NM_001407960.1); c.1465-7C>T (NM_001408512.1); c.1588-7C>T (NM_001408510.1); and 74 more.
Identifiers: ClinVar variation 867331 (VCV000867331.3), dbSNP rs2051216372, ClinGen allele CA916081060.
Genomic context (GRCh38, chr17:43,051,124, plus strand): 5'-TGTGGGCATGTTGGTGAAGGGCCCATAGCAACAGATTTCTAGCCCCCTGAAGATCTGGAA[G>A]AAGAGAGGAAGAGAGAGGGACAGGGGAATGGAGAGAAGGAAAATCTAGTTATAAAAGAAT-3'